The following is an entry in ClinVar:

ClinVar aggregate classification (germline): Pathogenic (0 of 4 stars; one submission).

Conditions:
Oligodontia. Identifiers: MedGen C4082304, HP:0000677.

Submission:

Department of Prosthodontics, School and Hospital of Stomatology, Hebei Medical University and Hebei Key Laboratory of Stomatology
Classification: Pathogenic for Oligodontia. Review status: no assertion criteria provided. Collection method: research. Allele origin: de novo. Affected: yes. Observed: 1 variant allele, 1 heterozygote.
Comment: SIFT, Polyphen2 and FATHMM predictions for the mutation were "deleterious" (0.00), "probably damaging" (1), and "Deleterious" (-6.61), respectively, suggesting the variant was highly pathogenic.

Literature cited by the submitters: PubMed 29969831.

NM_001372076.1(PAX9):c.152G>T (p.Gly51Val)

Gene: PAX9 (paired box 9; plus strand). Cytogenetic location: 14q13.3.
Variant type: single nucleotide variant.
Coding change: c.152G>T on transcript NM_001372076.1 (MANE Select); coding-DNA position 152, G replaced by T.
Protein change: p.Gly51Val; replaces glycine 51 with valine.
Molecular consequence: missense variant.
Genome position (GRCh38, 1-based): chr14:36,663,044, G>T. VCF-style: chr14-36663044-G-T. GRCh37 (hg19) VCF-style: chr14-37132249-G-T.
Other names: c.152G>T, p.Gly51Val (NM_006194.4); short protein forms G51V.
Identifiers: ClinVar variation 1119978 (VCV001119978.2), dbSNP rs2139107997, ClinGen allele CA389466223.